The following is an entry in ClinVar:

ClinVar aggregate classification (germline): Conflicting classifications of pathogenicity. Review status: criteria provided, conflicting classifications (1 of 4 stars). 3 submissions from 3 submitters: Uncertain significance (2); Likely benign (1). Last evaluated 2026-02-11.

Conditions:
Immunodeficiency due to MASP-2 deficiency. Also called: MASP2 deficiency; LECTIN COMPLEMENT ACTIVATION PATHWAY, DEFECT IN, 2. Identifiers: Orphanet 331187, MedGen C3151085, MONDO:0013423, OMIM 613791.

Allele frequency attached by ClinVar (database versions not stated): gnomAD exomes 0.00016 and 0.00047; ExAC 0.00063; gnomAD 0.00185 and 0.00197; TOPMed 0.00199; ESP Exome Variant Server 0.00223; 1000 Genomes Project 0.00280; 1000 Genomes Project 30x 0.00297.
gnomAD v4.1: 529 of 1,613,236 alleles (0.033%); highest among the groups gnomAD compares: African/African-American, 0.61%; 1 homozygote.

Submissions (3):

Women's Health and Genetics/Laboratory Corporation of America, LabCorp
Classification: Likely benign. Last evaluated: 2026-02-11. Review status: criteria provided, single submitter. Criteria: LabCorp Variant Classification Summary - May 2015. Collection method: clinical testing. Allele origin: germline.
Comment: Variant summary: MASP2 c.263C>T (p.Thr88Met) results in a non-conservative amino acid change in the encoded protein sequence. Algorithms developed to predict the effect of missense changes on protein structure and function are either unavailable or do not agree on the potential impact of this missense change. The variant allele was found at a frequency of 0.00047 in 249724 control chromosomes, predominantly at a frequency of 0.0067 within the African or African-American subpopulation in the gnomAD database, including 1 homozygotes. The observed variant frequency within African or African-American control individuals in the gnomAD database exceeds the estimated maximal expected allele frequency for disease-causing variants in MASP2. To our knowledge, no occurrence of c.263C>T in individuals affected with MASP2-related conditions and no experimental evidence demonstrating its impact on protein function have been reported. ClinVar contains an entry for this variant (Variation ID: 992550). Based on the evidence outlined above, the variant was classified as likely benign.

Center for Genomics, Ann and Robert H. Lurie Children's Hospital of Chicago
Classification: Uncertain significance for Immunodeficiency due to MASP-2 deficiency. Last evaluated: 2021-03-30. Review status: criteria provided, single submitter. Criteria: ACMG Guidelines, 2015. Collection method: clinical testing. Allele origin: germline.
Comment: MASP2 NM_006610.3 exon 3 p.Thr88Met (c.263C>T): This variant has not been reported in the literature but is present in 0.6% (157/24818) of African alleles, including 1 homozygote in the Genome Aggregation Database. Evolutionary conservation suggests that this variant may not impact the protein; computational predictive tools for this variant are unclear. In summary, data on this variant is insufficient for disease classification. Therefore, the clinical significance of this variant is uncertain.

Breakthrough Genomics
Classification: Uncertain significance. Review status: criteria provided, single submitter. Criteria: ACMG Guidelines, 2015. Collection method: not provided. Allele origin: germline. Inheritance: Autosomal recessive inheritance. Affected: yes.

NM_006610.4(MASP2):c.263C>T (p.Thr88Met)

Gene: MASP2 (MBL associated serine protease 2; minus strand). Cytogenetic location: 1p36.22.
Variant type: single nucleotide variant.
Coding change: c.263C>T on transcript NM_006610.4 (MANE Select); coding-DNA position 263, C replaced by T.
Protein change: p.Thr88Met; replaces threonine 88 with methionine.
Molecular consequence: missense variant.
Genome position (GRCh38, 1-based): chr1:11,046,705, G>A on the plus strand (C>T on the coding strand, the complement: MASP2 is on the minus strand). VCF-style: chr1-11046705-G-A. GRCh37 (hg19) VCF-style: chr1-11106762-G-A.
Other names: c.263C>T, p.Thr88Met (NM_139208.3); short protein forms T88M.
Identifiers: ClinVar variation 992550 (VCV000992550.4), dbSNP rs61735601, ClinGen allele CA587198.
Genomic context (GRCh38, chr1:11,046,705, plus strand): 5'-GAGTAGAAAGTGTCCTTGCCAGGGGCCCGCTCCGTGTCTGTGCTCTCCTGCCCGCACAGC[G>A]TGGCCAGCACCTTGGCCCCCGAGCTCAGCTGTGGGGTCAGGTGTCACAGGGAGTGAAGGC-3'
Protein context (NP_006601.2, residues 78-98): KLSSGAKVLA[Thr88Met]LCGQESTDTE